The following is an entry in ClinVar:

ClinVar aggregate classification (germline): Uncertain significance (1 of 4 stars; one submission).

Conditions:
Hereditary antithrombin deficiency (AT3D). Also called: Antithrombin deficiency; Antithrombin III deficiency; Thrombophilia due to antithrombin III deficiency; Reduced antithrombin III activity. Identifiers: Orphanet 82, MedGen C0272375, MONDO:0013144, OMIM 613118, HP:0001976.

Submission:

Labcorp Genetics (formerly Invitae), Labcorp
Classification: Uncertain significance for Hereditary antithrombin deficiency. Last evaluated: 2024-05-01. Review status: criteria provided, single submitter. Criteria: Invitae Variant Classification Sherloc (09022015). Collection method: clinical testing. Allele origin: germline.
Comment: This variant, c.565_567del, results in the deletion of 1 amino acid(s) of the SERPINC1 protein (p.Thr189del), but otherwise preserves the integrity of the reading frame. This variant is not present in population databases (gnomAD no frequency). This variant has been observed in individual(s) with antithrombin III deficiency (Invitae). Experimental studies and prediction algorithms are not available or were not evaluated, and the functional significance of this variant is currently unknown. In summary, the available evidence is currently insufficient to determine the role of this variant in disease. Therefore, it has been classified as a Variant of Uncertain Significance.

NM_000488.4(SERPINC1):c.565_567del (p.Thr189del)

Gene: SERPINC1 (serpin family C member 1; minus strand). Cytogenetic location: 1q25.1.
Variant type: Deletion.
Coding change: c.565_567del on transcript NM_000488.4 (MANE Select); coding-DNA positions 565 to 567, 3 bases deleted (ACC; older notation c.565_567delACC).
Protein change: p.Thr189del; deletes threonine 189.
Molecular consequence: intron variant (on NM_001386306.1).
Genome position (GRCh38, 1-based): chr1:173,911,856-173,911,858, GGT deleted on the plus strand (ACC on the coding strand, the reverse complement: SERPINC1 is on the minus strand). VCF-style (leftmost placement, unchanged base first): chr1-173911855-AGGT-A. GRCh37 (hg19) VCF-style: chr1-173880993-AGGT-A.
Other names: c.421_423del, p.Thr141del (NM_001365052.2); c.565_567del, p.Thr189del (NM_001386302.1, NM_001386304.1, NM_001386305.1); c.646_648del, p.Thr216del (NM_001386303.1); c.409-967_409-965del (NM_001386306.1); short protein forms T189del, T216del, T141del.
Identifiers: ClinVar variation 3651843 (VCV003651843.2).